The following is an entry in ClinVar:

ClinVar aggregate classification (germline): Uncertain significance (1 of 4 stars; one submission).

Allele frequency attached by ClinVar (database versions not stated): TOPMed below 0.00001; gnomAD exomes 0.00001.
gnomAD v4.1: 13 of 1,612,250 alleles (0.00081%); highest among the groups gnomAD compares: East Asian, 0.029%; no homozygotes.

Submission:

Labcorp Genetics (formerly Invitae), Labcorp
Classification: Uncertain significance. Last evaluated: 2019-08-27. Review status: criteria provided, single submitter. Criteria: Invitae Variant Classification Sherloc (09022015). Collection method: clinical testing. Allele origin: germline.
Comment: This sequence change replaces threonine with alanine at codon 2998 of the VCAN protein (p.Thr2998Ala). The threonine residue is moderately conserved and there is a small physicochemical difference between threonine and alanine. In summary, the available evidence is currently insufficient to determine the role of this variant in disease. Therefore, it has been classified as a Variant of Uncertain Significance. Algorithms developed to predict the effect of missense changes on protein structure and function output the following: SIFT: "Tolerated"; PolyPhen-2: "Benign"; Align-GVGD: "Class C0". The alanine amino acid residue is found in multiple mammalian species, suggesting that this missense change does not adversely affect protein function. These predictions have not been confirmed by published functional studies and their clinical significance is uncertain. This variant has not been reported in the literature in individuals with VCAN-related conditions. This variant is not present in population databases (ExAC no frequency).

NM_004385.5(VCAN):c.8992A>G (p.Thr2998Ala)

Genes: VCAN (versican; plus strand), VCAN-AS1 (VCAN antisense RNA 1; minus strand). Cytogenetic location: 5q14.3.
Variant type: single nucleotide variant.
Coding change: c.8992A>G on transcript NM_004385.5 (MANE Select); coding-DNA position 8992, A replaced by G.
Protein change: p.Thr2998Ala; replaces threonine 2998 with alanine.
Molecular consequence: missense variant. On other transcripts: intron variant (2).
Genome position (GRCh38, 1-based): chr5:83,541,995, A>G. VCF-style: chr5-83541995-A-G. GRCh37 (hg19) VCF-style: chr5-82837814-A-G.
Other names: c.6031A>G, p.Thr2011Ala (NM_001164097.2); c.4004-3542A>G (NM_001164098.2); c.1043-3542A>G (NM_001126336.3); short protein forms T2011A, T2998A.
Identifiers: ClinVar variation 934351 (VCV000934351.9), dbSNP rs1227510254, ClinGen allele CA360294612.